The following is an entry in ClinVar:

ClinVar aggregate classification (germline): Uncertain significance (1 of 4 stars; one submission).

Submission:

GeneDx
Classification: Uncertain significance. Last evaluated: 2024-07-26. Review status: criteria provided, single submitter. Criteria: GeneDx Variant Classification Process June 2021. Collection method: clinical testing. Allele origin: germline. Affected: yes.
Comment: Has not been previously published as pathogenic or benign to our knowledge; Not observed at significant frequency in large population cohorts (gnomAD); In silico analysis suggests this variant may impact gene splicing. In the absence of RNA/functional studies, the actual effect of this sequence change is unknown.

NM_001267550.2(TTN):c.16788G>T (p.Glu5596Asp)

Genes: TTN (titin; minus strand), LOC126806431 (CDK7 strongly-dependent group 2 enhancer GRCh37_chr2:179595719-179596918; plus strand). Cytogenetic location: 2q31.2.
Variant type: single nucleotide variant.
Coding change: c.16788G>T on transcript NM_001267550.2 (MANE Select); coding-DNA position 16788, G replaced by T.
Protein change: p.Glu5596Asp; replaces glutamic acid 5596 with aspartic acid.
Molecular consequence: missense variant. On other transcripts: intron variant (3).
Genome position (GRCh38, 1-based): chr2:178,732,181, C>A on the plus strand (G>T on the coding strand, the complement: TTN is on the minus strand). VCF-style: chr2-178732181-C-A. GRCh37 (hg19) VCF-style: chr2-179596908-C-A.
Other names: c.15837G>T, p.Glu5279Asp (NM_001256850.1); c.13056G>T, p.Glu4352Asp (NM_133378.4); c.13282+5901G>T (NM_003319.4); c.13858+5901G>T (NM_133437.4); c.13657+5901G>T (NM_133432.3); short protein forms E4352D, E5279D, E5596D.
Identifiers: ClinVar variation 3600588 (VCV003600588.1).